The following is an entry in ClinVar:

NM_030631.4(SLC25A21):c.668T>A (p.Val223Asp)

Gene: SLC25A21 (solute carrier family 25 member 21; minus strand). Cytogenetic location: 14q13.3.
Variant type: single nucleotide variant.
Coding change: c.668T>A on transcript NM_030631.4 (MANE Select); coding-DNA position 668, T replaced by A.
Protein change: p.Val223Asp; replaces valine 223 with aspartic acid.
Molecular consequence: missense variant.
Genome position (GRCh38, 1-based): chr14:36,684,861, A>T on the plus strand (T>A on the coding strand, the complement: SLC25A21 is on the minus strand). VCF-style: chr14-36684861-A-T. GRCh37 (hg19) VCF-style: chr14-37154066-A-T.
Other names: c.668T>A, p.Val223Asp (NM_001171170.2); short protein forms V223D.
Identifiers: ClinVar variation 1350079 (VCV001350079.8), dbSNP rs2139140319, ClinGen allele CA389465366.

ClinVar aggregate classification (germline): Uncertain significance (1 of 4 stars; one submission).

Submission:

Labcorp Genetics (formerly Invitae), Labcorp
Classification: Uncertain significance. Last evaluated: 2022-11-15. Review status: criteria provided, single submitter. Criteria: Invitae Variant Classification Sherloc (09022015). Collection method: clinical testing. Allele origin: germline.
Comment: This sequence change replaces valine, which is neutral and non-polar, with aspartic acid, which is acidic and polar, at codon 223 of the SLC25A21 protein (p.Val223Asp). In summary, the available evidence is currently insufficient to determine the role of this variant in disease. Therefore, it has been classified as a Variant of Uncertain Significance. Advanced modeling of protein sequence and biophysical properties (such as structural, functional, and spatial information, amino acid conservation, physicochemical variation, residue mobility, and thermodynamic stability) has been performed at Invitae for this missense variant, however the output from this modeling did not meet the statistical confidence thresholds required to predict the impact of this variant on SLC25A21 protein function. ClinVar contains an entry for this variant (Variation ID: 1350079). This variant has not been reported in the literature in individuals affected with SLC25A21-related conditions. This variant is not present in population databases (gnomAD no frequency).